The following is an entry in ClinVar:

ClinVar aggregate classification (germline): Likely benign. Review status: criteria provided, multiple submitters, no conflicts (2 of 4 stars). 2 submissions from 2 submitters: Likely benign (2). Last evaluated 2026-04-13.

Conditions:
SPAST-related disorder. Also called: SPAST-related condition.
Hereditary spastic paraplegia 4. Also called: Spastic paraplegia 4, autosomal dominant; Spastic Paraplegia 4; Familial spastic paraplegia autosomal dominant 2. Identifiers: Orphanet 100985, MedGen C1866855, MONDO:0008438, OMIM 182601.

Allele frequency attached by ClinVar (database versions not stated): gnomAD exomes below 0.00001 and 0.00001; gnomAD 0.00005 and 0.00006; TOPMed 0.00024.
gnomAD v4.1: 24 of 1,612,248 alleles (0.0015%); highest among the groups gnomAD compares: Admixed American, 0.02%; no homozygotes.

Submissions (2):

PreventionGenetics, part of Exact Sciences
Classification: Likely benign for SPAST-related condition. Last evaluated: 2026-04-13. Review status: criteria provided, single submitter. Criteria: ACMG Guidelines, 2015. Collection method: clinical testing. Allele origin: germline.
Comment: This variant is classified as likely benign based on ACMG/AMP sequence variant interpretation guidelines (Richards et al. 2015 PMID: 25741868, with internal and published modifications).

Labcorp Genetics (formerly Invitae), Labcorp
Classification: Likely benign for Hereditary spastic paraplegia 4. Last evaluated: 2025-11-03. Review status: criteria provided, single submitter. Criteria: Invitae Variant Classification Sherloc (09022015). Collection method: clinical testing. Allele origin: germline.

NM_014946.4(SPAST):c.1197G>A (p.Ser399=)

Gene: SPAST (spastin; plus strand). Cytogenetic location: 2p22.3.
Variant type: single nucleotide variant.
Coding change: c.1197G>A on transcript NM_014946.4 (MANE Select); coding-DNA position 1197, G replaced by A.
Protein change: p.Ser399=; no amino-acid change (serine 399 retained).
Molecular consequence: synonymous variant.
Genome position (GRCh38, 1-based): chr2:32,128,431, G>A. VCF-style: chr2-32128431-G-A. GRCh37 (hg19) VCF-style: chr2-32353500-G-A.
Other names: c.1194G>A, p.Ser398= (NM_001363823.2); c.1098G>A, p.Ser366= (NM_001363875.2); c.1101G>A, p.Ser367= (NM_001377959.1, NM_199436.2).
Identifiers: ClinVar variation 704208 (VCV000704208.7), dbSNP rs1037572037, ClinGen allele CA44742775.